The following is an entry in ClinVar:

ClinVar aggregate classification (germline): Uncertain significance. Review status: criteria provided, multiple submitters, no conflicts (2 of 4 stars). 2 submissions from 2 submitters: Uncertain significance (2). Last evaluated 2025-04-28.

Conditions:
Inborn genetic diseases. Identifiers: MedGen C0950123, MeSH D030342.
Lipoic acid synthetase deficiency. Also called: HYPERGLYCINEMIA, LACTIC ACIDOSIS, AND SEIZURES. Identifiers: Orphanet 401859, MedGen C3280887, MONDO:0013762, OMIM 614462.

Submissions (2):

Labcorp Genetics (formerly Invitae), Labcorp
Classification: Uncertain significance for Lipoic acid synthetase deficiency. Last evaluated: 2025-04-28. Review status: criteria provided, single submitter. Criteria: Invitae Variant Classification Sherloc (09022015). Collection method: clinical testing. Allele origin: germline.
Comment: This sequence change replaces threonine, which is neutral and polar, with isoleucine, which is neutral and non-polar, at codon 343 of the LIAS protein (p.Thr343Ile). This variant is present in population databases (rs771167419, gnomAD 0.004%). This variant has not been reported in the literature in individuals affected with LIAS-related conditions. Invitae Evidence Modeling of protein sequence and biophysical properties (such as structural, functional, and spatial information, amino acid conservation, physicochemical variation, residue mobility, and thermodynamic stability) indicates that this missense variant is not expected to disrupt LIAS protein function with a negative predictive value of 80%. In summary, the available evidence is currently insufficient to determine the role of this variant in disease. Therefore, it has been classified as a Variant of Uncertain Significance.

Ambry Genetics
Classification: Uncertain significance for Inborn genetic diseases. Last evaluated: 2025-01-29. Review status: criteria provided, single submitter. Criteria: Ambry Variant Classification Scheme 2023. Collection method: clinical testing. Allele origin: germline.

NM_006859.4(LIAS):c.1028C>T (p.Thr343Ile)

Gene: LIAS (lipoic acid synthetase; plus strand). Cytogenetic location: 4p14.
Variant type: single nucleotide variant.
Coding change: c.1028C>T on transcript NM_006859.4 (MANE Select); coding-DNA position 1028, C replaced by T.
Protein change: p.Thr343Ile; replaces threonine 343 with isoleucine.
Molecular consequence: missense variant. On other transcripts: intron variant (1).
Genome position (GRCh38, 1-based): chr4:39,473,173, C>T. VCF-style: chr4-39473173-C-T. GRCh37 (hg19) VCF-style: chr4-39474793-C-T.
Other names: c.899C>T, p.Thr300Ile (NM_001278590.2); c.719C>T, p.Thr240Ile (NM_001363700.2); c.954+1867C>T (NM_194451.3); short protein forms T240I, T300I, T343I.
Identifiers: ClinVar variation 3867098 (VCV003867098.2).